The following is an entry in ClinVar:

NM_197968.4(ZMYM2):c.3314dup (p.Leu1106fs)

Gene: ZMYM2 (zinc finger MYM-type containing 2; plus strand). Cytogenetic location: 13q12.11.
Variant type: Duplication.
Coding change: c.3314dup on transcript NM_197968.4 (MANE Select); coding-DNA position 3314, one base duplicated (A; older notation c.3314dupA).
Protein change: p.Leu1106fs; shifts the reading frame from leucine 1106.
Molecular consequence: frameshift variant. On other transcripts: non-coding transcript variant (1).
Genome position (GRCh38, 1-based): chr13:20,067,251, A duplicated; the last of 3 consecutive A bases (chr13:20,067,249-20,067,251); duplicating any one gives the same sequence. VCF-style (leftmost placement, unchanged base first): chr13-20067248-T-TA. GRCh37 (hg19) VCF-style: chr13-20641388-T-TA.
Other names: c.3314dup, p.Leu1106fs (NM_001190964.4, NM_001190965.4, NM_001353157.2 and 5 more transcripts); c.3119dup, p.Leu1041fs (NM_001353161.3); c.3053dup, p.Leu1019fs (NM_001353163.2); short protein forms L1019fs, L1041fs, L1106fs.
Identifiers: ClinVar variation 1703359 (VCV001703359.2), dbSNP rs2504196890, ClinGen allele CA2580086787.
Genomic context (GRCh38, chr13:20,067,248, plus strand): 5'-TTAATAAGACGCTAAATAATAACAATTATTTTTTATTTTATGTATTTTTAGCTAAATCAG[T>TA]AAAGTTAAAAGAGGATCTACTCTCTCACACCACAGCTGAGCTTAACTATGGGTTAGCTCA-3'

ClinVar aggregate classification (germline): Pathogenic (1 of 4 stars; one submission).

Submission:

GeneDx
Classification: Pathogenic. Last evaluated: 2022-08-23. Review status: criteria provided, single submitter. Criteria: GeneDx Variant Classification Process June 2021. Collection method: clinical testing. Allele origin: germline. Affected: yes.
Comment: Frameshift variant predicted to result in protein truncation or nonsense mediated decay in a gene for which loss-of-function is a known mechanism of disease; Not observed at significant frequency in large population cohorts (gnomAD); Has not been previously published as pathogenic or benign to our knowledge